The following is an entry in ClinVar:

NM_144599.5(NIPA1):c.339C>T (p.Leu113=)

Gene: NIPA1 (NIPA magnesium transporter 1; plus strand). Cytogenetic location: 15q11.2.
Variant type: single nucleotide variant.
Coding change: c.339C>T on transcript NM_144599.5 (MANE Select); coding-DNA position 339, C replaced by T.
Protein change: p.Leu113=; no amino-acid change (leucine 113 retained).
Molecular consequence: synonymous variant.
Genome position (GRCh38, 1-based): chr15:22,820,334, C>T. VCF-style: chr15-22820334-C-T. GRCh37 (hg19) VCF-style: chr15-23052734-G-A.
Other names: c.114C>T, p.Leu38= (NM_001142275.1).
Identifiers: ClinVar variation 788144 (VCV000788144.6), dbSNP rs754979501, ClinGen allele CA488766248.

ClinVar aggregate classification (germline): Likely benign. Review status: criteria provided, multiple submitters, no conflicts (2 of 4 stars). 3 submissions from 3 submitters: Likely benign (2). 1 of the submissions does not count toward it. Last evaluated 2023-04-25.

Conditions:
NIPA1-related disorder. Also called: NIPA1-related condition.

gnomAD v4.1: 5 of 1,612,570 alleles (0.00031%); highest among the groups gnomAD compares: East Asian, 0.0022%; no homozygotes.

Submissions (3):

Blueprint Genetics
Classification: Likely benign. Last evaluated: 2023-04-25. Review status: criteria provided, single submitter. Criteria: ACMG Guidelines, 2015. Collection method: clinical testing. Allele origin: germline.

Labcorp Genetics (formerly Invitae), Labcorp
Classification: Likely benign. Last evaluated: 2017-06-27. Review status: criteria provided, single submitter. Criteria: Invitae Variant Classification Sherloc (09022015). Collection method: clinical testing. Allele origin: germline.

PreventionGenetics, part of Exact Sciences
Classification: Likely benign for NIPA1-related condition. Last evaluated: 2019-04-11. Review status: no assertion criteria provided. Collection method: clinical testing. Allele origin: germline. Not counted in ClinVar's aggregate classification.
Comment: This variant is classified as likely benign based on ACMG/AMP sequence variant interpretation guidelines (Richards et al. 2015 PMID: 25741868, with internal and published modifications).